The following is an entry in ClinVar:

NM_001378778.1(MPDZ):c.6147C>A (p.Thr2049=)

Gene: MPDZ (multiple PDZ domain crumbs cell polarity complex component; minus strand). Cytogenetic location: 9p23.
Variant type: single nucleotide variant.
Coding change: c.6147C>A on transcript NM_001378778.1 (MANE Select); coding-DNA position 6147, C replaced by A.
Protein change: p.Thr2049=; no amino-acid change (threonine 2049 retained).
Molecular consequence: synonymous variant.
Genome position (GRCh38, 1-based): chr9:13,107,031, G>T on the plus strand (C>A on the coding strand, the complement: MPDZ is on the minus strand). VCF-style: chr9-13107031-G-T. GRCh37 (hg19) VCF-style: chr9-13107030-G-T.
Other names: c.6048C>A, p.Thr2016= (NM_001375416.1, NM_001375417.1, NM_001375418.1 and 1 more transcripts); c.5961C>A, p.Thr1987= (NM_001375419.1, NM_001261407.2); c.5937C>A, p.Thr1979= (NM_001375420.1, NM_001375421.1, NM_001375422.1 and 2 more transcripts); c.6147C>A, p.Thr2049= (NM_001330637.2); c.6246C>A, p.Thr2082= (NM_001375413.1); c.5850C>A, p.Thr1950= (NM_001375425.1, NM_001375426.1); c.5739C>A, p.Thr1913= (NM_001375427.1); c.6060C>A, p.Thr2020= (NM_003829.5).
Identifiers: ClinVar variation 3030411 (VCV003030411.2), dbSNP rs1249265232, ClinGen allele CA463862585.
Genomic context (GRCh38, chr9:13,107,031, plus strand): 5'-GAGAACCATCAAAGTGACAGTGCCTTTTGTCCGTTTAAGGATGGCAACAGCTTCTTCATG[G>T]GTGACTCCTTCTAGACTCTGCCCATTGACAGCAATGATCTGATCGCCCCTTTTCAGACGT-3'
Protein context (NP_001365707.1, residues 2039-2059): AVNGQSLEGV[Thr2049=]HEEAVAILKR

ClinVar aggregate classification (germline): Likely benign (0 of 4 stars; one submission).

Conditions:
MPDZ-related disorder. Also called: MPDZ-related condition.

Submission:

PreventionGenetics, part of Exact Sciences
Classification: Likely benign for MPDZ-related condition. Last evaluated: 2021-02-24. Review status: no assertion criteria provided. Collection method: clinical testing. Allele origin: germline.
Comment: This variant is classified as likely benign based on ACMG/AMP sequence variant interpretation guidelines (Richards et al. 2015 PMID: 25741868, with internal and published modifications).